The following is an entry in ClinVar:

NM_014806.5(RUSC2):c.737G>A (p.Gly246Glu)

Gene: RUSC2 (RUN and SH3 domain containing 2; plus strand). Cytogenetic location: 9p13.3.
Variant type: single nucleotide variant.
Coding change: c.737G>A on transcript NM_014806.5 (MANE Select); coding-DNA position 737, G replaced by A.
Protein change: p.Gly246Glu; replaces glycine 246 with glutamic acid.
Molecular consequence: missense variant. On other transcripts: non-coding transcript variant (1), intron variant (1).
Genome position (GRCh38, 1-based): chr9:35,547,258, G>A. VCF-style: chr9-35547258-G-A. GRCh37 (hg19) VCF-style: chr9-35547255-G-A.
Other names: c.737G>A, p.Gly246Glu (NM_001135999.2); c.-620-7802G>A (NM_001330740.2); c.737G>A (NM_001135999.1); short protein forms G246E.
Identifiers: ClinVar variation 1358977 (VCV001358977.7), dbSNP rs894040978, ClinGen allele CA192743626.

ClinVar aggregate classification (germline): Uncertain significance. Review status: criteria provided, multiple submitters, no conflicts (2 of 4 stars). 4 submissions from 4 submitters: Uncertain significance (4). Last evaluated 2022-09-19.

Conditions:
Intellectual developmental disorder, autosomal recessive 61. Also called: MENTAL RETARDATION, AUTOSOMAL RECESSIVE 61; Intellectual disability, autosomal recessive 61; ALWADEI SYNDROME. Identifiers: MedGen C4540424, MONDO:0030915, OMIM 617773.

Allele frequency attached by ClinVar (database versions not stated): TOPMed 0.00005; gnomAD 0.00006; gnomAD exomes below 0.00001 and 0.00001.

Submissions (4):

Ambry Genetics
Classification: Uncertain significance. Last evaluated: 2022-09-19. Review status: criteria provided, single submitter. Criteria: Ambry Variant Classification Scheme 2023. Collection method: clinical testing. Allele origin: germline.

Labcorp Genetics (formerly Invitae), Labcorp
Classification: Uncertain significance. Last evaluated: 2022-07-05. Review status: criteria provided, single submitter. Criteria: Invitae Variant Classification Sherloc (09022015). Collection method: clinical testing. Allele origin: germline.
Comment: This sequence change replaces glycine, which is neutral and non-polar, with glutamic acid, which is acidic and polar, at codon 246 of the RUSC2 protein (p.Gly246Glu). This variant is present in population databases (no rsID available, gnomAD 0.01%). This variant has not been reported in the literature in individuals affected with RUSC2-related conditions. ClinVar contains an entry for this variant (Variation ID: 1358977). Algorithms developed to predict the effect of missense changes on protein structure and function (SIFT, PolyPhen-2, Align-GVGD) all suggest that this variant is likely to be tolerated. In summary, the available evidence is currently insufficient to determine the role of this variant in disease. Therefore, it has been classified as a Variant of Uncertain Significance.

Revvity Omics, Revvity
Classification: Uncertain significance for Intellectual developmental disorder, autosomal recessive 61. Last evaluated: 2022-05-02. Review status: criteria provided, single submitter. Criteria: ACMG Guidelines, 2015. Collection method: clinical testing. Allele origin: germline.

Breakthrough Genomics
Classification: Uncertain significance. Review status: criteria provided, single submitter. Criteria: ACMG Guidelines, 2015. Collection method: not provided. Allele origin: germline. Inheritance: Autosomal recessive inheritance. Affected: yes.